The following is an entry in ClinVar:

ClinVar aggregate classification (germline): Uncertain significance (1 of 4 stars; one submission).

Conditions:
Baller-Gerold syndrome (BGS). Also called: CRANIOSYNOSTOSIS WITH RADIAL DEFECTS. Identifiers: Orphanet 1225, MedGen C0265308, MONDO:0009039, OMIM 218600.

Submission:

Labcorp Genetics (formerly Invitae), Labcorp
Classification: Uncertain significance for Baller-Gerold syndrome. Last evaluated: 2024-02-11. Review status: criteria provided, single submitter. Criteria: Invitae Variant Classification Sherloc (09022015). Collection method: clinical testing. Allele origin: germline.
Comment: This sequence change replaces histidine, which is basic and polar, with proline, which is neutral and non-polar, at codon 831 of the RECQL4 protein (p.His831Pro). This variant is not present in population databases (gnomAD no frequency). This variant has not been reported in the literature in individuals affected with RECQL4-related conditions. ClinVar contains an entry for this variant (Variation ID: 949190). Advanced modeling of protein sequence and biophysical properties (such as structural, functional, and spatial information, amino acid conservation, physicochemical variation, residue mobility, and thermodynamic stability) performed at Invitae indicates that this missense variant is expected to disrupt RECQL4 protein function with a positive predictive value of 80%. In summary, the available evidence is currently insufficient to determine the role of this variant in disease. Therefore, it has been classified as a Variant of Uncertain Significance.

NM_004260.4(RECQL4):c.2492A>C (p.His831Pro)

Gene: RECQL4 (RecQ like helicase 4; minus strand). Cytogenetic location: 8q24.3.
Variant type: single nucleotide variant.
Coding change: c.2492A>C on transcript NM_004260.4 (MANE Select); coding-DNA position 2492, A replaced by C.
Protein change: p.His831Pro; replaces histidine 831 with proline.
Molecular consequence: missense variant.
Genome position (GRCh38, 1-based): chr8:144,513,110, T>G on the plus strand (A>C on the coding strand, the complement: RECQL4 is on the minus strand). VCF-style: chr8-144513110-T-G. GRCh37 (hg19) VCF-style: chr8-145738493-T-G.
Other names: short protein forms H831P.
Identifiers: ClinVar variation 949190 (VCV000949190.6), dbSNP rs754324912, ClinGen allele CA372677463.